The following is an entry in ClinVar:

NM_015102.5(NPHP4):c.1889_1892del (p.Pro630fs)

Gene: NPHP4 (nephrocystin 4; minus strand). Cytogenetic location: 1p36.31.
Variant type: Deletion.
Coding change: c.1889_1892del on transcript NM_015102.5 (MANE Select); coding-DNA positions 1889 to 1892, 4 bases deleted (CTCA; older notation c.1889_1892delCTCA).
Protein change: p.Pro630fs; shifts the reading frame from proline 630.
Molecular consequence: frameshift variant. On other transcripts: non-coding transcript variant (1).
Genome position (GRCh38, 1-based): chr1:5,905,355-5,905,358, TGAG deleted on the plus strand (CTCA on the coding strand, the reverse complement: NPHP4 is on the minus strand). VCF-style (leftmost placement, unchanged base first): chr1-5905354-CTGAG-C. GRCh37 (hg19) VCF-style: chr1-5965414-CTGAG-C.
Other names: c.350_353del, p.Pro117fs (NM_001291593.2); c.353_356del, p.Pro118fs (NM_001291594.2); short protein forms P117fs, P630fs, P118fs.
Identifiers: ClinVar variation 562366 (VCV000562366.15), dbSNP rs1368105372, ClinGen allele CA658820974.

ClinVar aggregate classification (germline): Pathogenic/Likely pathogenic. Review status: criteria provided, multiple submitters, no conflicts (2 of 4 stars). 5 submissions from 5 submitters: Pathogenic (2); Likely pathogenic (2). 1 of the submissions does not count toward it. Last evaluated 2025-09-02.

Conditions:
Nephronophthisis. Also called: Juvenile Nephronophthisis. Identifiers: Orphanet 655, MedGen C0687120, MONDO:0019005, HP:0000090.
Nephronophthisis 4 (NPHP4). Also called: NEPHRONOPHTHISIS 4, JUVENILE. Identifiers: Orphanet 655, MedGen C1847013, MONDO:0011752, OMIM 606966.
Senior-Loken syndrome 4 (SLSN4). Identifiers: Orphanet 3156, MedGen C1846979, MONDO:0011756, OMIM 606996.

Allele frequency attached by ClinVar (database versions not stated): gnomAD 0.00005 and 0.00004; TOPMed 0.00003.

Submissions (5):

Labcorp Genetics (formerly Invitae), Labcorp
Classification: Pathogenic for Nephronophthisis. Last evaluated: 2025-09-02. Review status: criteria provided, single submitter. Criteria: Invitae Variant Classification Sherloc (09022015). Collection method: clinical testing. Allele origin: germline.
Comment: This sequence change creates a premature translational stop signal (p.Pro630Argfs*69) in the NPHP4 gene. It is expected to result in an absent or disrupted protein product. Loss-of-function variants in NPHP4 are known to be pathogenic (PMID: 12205563, 23559409). This variant is not present in population databases (gnomAD no frequency). This variant has not been reported in the literature in individuals affected with NPHP4-related conditions. ClinVar contains an entry for this variant (Variation ID: 562366). For these reasons, this variant has been classified as Pathogenic.

Dasa
Classification: Likely pathogenic. Last evaluated: 2025-01-20. Review status: criteria provided, single submitter. Criteria: DASA Assertion Criteria. Collection method: clinical testing. Allele origin: germline.
Comment: NM_015102.5(NPHP4):c.1889_1892del (p.Pro630Argfs*69) is a frameshift variant in NPHP4 predicted to alter the reading frame and introduce a premature termination codon and is predicted to result in an absent or altered protein product. Loss of function is an established disease mechanism for NPHP4-associated disorders. Also, this variant is rare in population databases. Based on the currently available evidence, this variant is classified as likely pathogenic.

Fulgent Genetics
Classification: Pathogenic for Nephronophthisis 4; Senior-Loken syndrome 4. Last evaluated: 2024-05-06. Review status: criteria provided, single submitter. Criteria: ACMG Guidelines, 2015. Collection method: clinical testing. Allele origin: germline.

GeneDx
Classification: Likely pathogenic. Last evaluated: 2020-04-17. Review status: criteria provided, single submitter. Criteria: GeneDx Variant Classification Process June 2021. Collection method: clinical testing. Allele origin: germline. Affected: yes.
Comment: Frameshift variant predicted to result in protein truncation or nonsense mediated decay in a gene for which loss-of-function is a known mechanism of disease; Not observed in large population cohorts (Lek et al., 2016); Has not been previously published as pathogenic or benign to our knowledge; This variant is associated with the following publications: (PMID: 31589614)

Gharavi Laboratory, Columbia University
Classification: Likely pathogenic. Last evaluated: 2018-09-16. Review status: no assertion criteria provided. Criteria: ACMG Guidelines, 2015. Collection method: research. Allele origin: germline. Affected: yes. Not counted in ClinVar's aggregate classification.

Literature cited by the submitters: PubMed 12205563 (cited by Labcorp Genetics (formerly Invitae), Labcorp); PubMed 23559409 (cited by Labcorp Genetics (formerly Invitae), Labcorp).